The following is an entry in ClinVar:

NM_001385875.1(ZFYVE27):c.*163C>T

Gene: ZFYVE27 (zinc finger FYVE-type containing 27; plus strand). Cytogenetic location: 10q24.2.
Variant type: single nucleotide variant.
Coding change: c.*163C>T on transcript NM_001385875.1 (MANE Select); 163 bases downstream of the stop codon, C replaced by T.
Molecular consequence: 3 prime UTR variant. On other transcripts: non-coding transcript variant (17).
Genome position (GRCh38, 1-based): chr10:97,759,463, C>T. VCF-style: chr10-97759463-C-T. GRCh37 (hg19) VCF-style: chr10-99519220-C-T.
Other names: c.*163C>T (NM_001002261.4, NM_001002262.4, NM_001174119.2 and 39 more transcripts).
Identifiers: ClinVar variation 301844 (VCV000301844.6), dbSNP rs41290464, ClinGen allele CA10637058.

ClinVar aggregate classification (germline): Benign. Review status: criteria provided, multiple submitters, no conflicts (2 of 4 stars). 2 submissions from 2 submitters: Benign (2). Last evaluated 2018-01-13.

Conditions:
Hereditary spastic paraplegia 33. Also called: SPASTIC PARAPLEGIA 33, AUTOSOMAL DOMINANT. Identifiers: MedGen C1853251, MONDO:0012448, OMIM 610244.

Allele frequency attached by ClinVar (database versions not stated): 1000 Genomes Project 30x 0.00281; 1000 Genomes Project 0.00319; TOPMed 0.00573.

Submissions (2):

Illumina Laboratory Services, Illumina
Classification: Benign for Hereditary spastic paraplegia 33. Last evaluated: 2018-01-13. Review status: criteria provided, single submitter. Criteria: ICSL Variant Classification Criteria 13 December 2019. Collection method: clinical testing. Allele origin: germline.
Comment: This variant was observed in the ICSL laboratory as part of a predisposition screen in an ostensibly healthy population. It had not been previously curated by ICSL or reported in the Human Gene Mutation Database (HGMD: prior to June 1st, 2018), and was therefore a candidate for classification through an automated scoring system. Utilizing variant allele frequency, disease prevalence and penetrance estimates, and inheritance mode, an automated score was calculated to assess if this variant is too frequent to cause the disease. Based on the score and internal cut-off values, a variant classified as benign is not then subjected to further curation. The score for this variant resulted in a classification of benign for this disease.

Breakthrough Genomics
Classification: Benign. Review status: criteria provided, single submitter. Criteria: ACMG Guidelines, 2015. Collection method: not provided. Allele origin: germline. Inheritance: Autosomal dominant inheritance. Affected: yes.